The following is an entry in ClinVar:

NM_001040108.2(MLH3):c.3145G>A (p.Asp1049Asn)

Gene: MLH3 (mutL homolog 3; minus strand). Cytogenetic location: 14q24.3.
Variant type: single nucleotide variant.
Coding change: c.3145G>A on transcript NM_001040108.2 (MANE Select); coding-DNA position 3145, G replaced by A.
Protein change: p.Asp1049Asn; replaces aspartic acid 1049 with asparagine.
Molecular consequence: missense variant.
Genome position (GRCh38, 1-based): chr14:75,046,511, C>T on the plus strand (G>A on the coding strand, the complement: MLH3 is on the minus strand). VCF-style: chr14-75046511-C-T. GRCh37 (hg19) VCF-style: chr14-75513214-C-T.
Other names: c.3145G>A, p.Asp1049Asn (NM_014381.3); short protein forms D1049N.
Identifiers: ClinVar variation 410902 (VCV000410902.14), dbSNP rs372835460, ClinGen allele CA7275582.
Genomic context (GRCh38, chr14:75,046,511, plus strand): 5'-CAATGAATGTGCTGAGTCCAGTCATTTTGTTGACATAAACCATTCTTCCCAGGGCTACAT[C>T]GAAATGCCGCTGCCAATCTGAACAACACGTGTTTGACTCTTCAGTTTCAGAACAAGCTCT-3'
Protein context (NP_001035197.1, residues 1039-1059): TCCSDWQRHF[Asp1049Asn]VALGRMVYVN

ClinVar aggregate classification (germline): Conflicting classifications of pathogenicity. Review status: criteria provided, conflicting classifications (1 of 4 stars). 4 submissions from 4 submitters: Uncertain significance (2); Likely benign (2). Last evaluated 2026-09-01.

Conditions:
Colorectal cancer, hereditary nonpolyposis, type 7. Identifiers: Orphanet 144, MedGen C1858380, MONDO:0013725, OMIM 614385.

Allele frequency attached by ClinVar (database versions not stated): gnomAD 0.00001 and 0.00002; TOPMed 0.00003; ExAC 0.00005; gnomAD exomes 0.00005 and 0.00007; ESP Exome Variant Server 0.00008.
gnomAD v4.1: 84 of 1,614,056 alleles (0.0052%); highest among the groups gnomAD compares: East Asian, 0.0045%; no homozygotes.

Submissions (4):

CeGaT Center for Human Genetics Tuebingen
Classification: Likely benign. Last evaluated: 2026-09-01. Review status: criteria provided, single submitter. Criteria: CeGaT Center For Human Genetics Tuebingen Variant Classification Criteria Version 2. Collection method: clinical testing. Allele origin: germline. Affected: yes. Observed: 1 variant allele.
Comment: MLH3: BS1:Supporting

Labcorp Genetics (formerly Invitae), Labcorp
Classification: Likely benign for Colorectal cancer, hereditary nonpolyposis, type 7. Last evaluated: 2025-12-31. Review status: criteria provided, single submitter. Criteria: Invitae Variant Classification Sherloc (09022015). Collection method: clinical testing. Allele origin: germline.

Ambry Genetics
Classification: Uncertain significance. Last evaluated: 2024-12-08. Review status: criteria provided, single submitter. Criteria: Ambry Variant Classification Scheme 2023. Collection method: clinical testing. Allele origin: germline.
Comment: The p.D1049N variant (also known as c.3145G>A), located in coding exon 1 of the MLH3 gene, results from a G to A substitution at nucleotide position 3145. The aspartic acid at codon 1049 is replaced by asparagine, an amino acid with highly similar properties. This amino acid position is highly conserved in available vertebrate species. In addition, this alteration is predicted to be tolerated by in silico analysis. Since supporting evidence is limited at this time, the clinical significance of this alteration remains unclear.

Blueprint Genetics
Classification: Uncertain significance. Last evaluated: 2022-12-06. Review status: criteria provided, single submitter. Criteria: ACMG Guidelines, 2015. Collection method: clinical testing. Allele origin: germline.

Literature cited by the submitters: PubMed 23376243 (cited by Ambry Genetics); PubMed 29212164 (cited by Ambry Genetics).